The following is an entry in ClinVar:

NM_001048174.2(MUTYH):c.117C>T (p.Gly39=)

Gene: MUTYH (mutY DNA glycosylase; minus strand). Cytogenetic location: 1p34.1.
Variant type: single nucleotide variant.
Coding change: c.117C>T on transcript NM_001048174.2 (MANE Select); coding-DNA position 117, C replaced by T.
Protein change: p.Gly39=; no amino-acid change (glycine 39 retained).
Molecular consequence: synonymous variant. On other transcripts: 5 prime UTR variant (1), non-coding transcript variant (2), intron variant (3).
Genome position (GRCh38, 1-based): chr1:45,333,560, G>A on the plus strand (C>T on the coding strand, the complement: MUTYH is on the minus strand). VCF-style: chr1-45333560-G-A. GRCh37 (hg19) VCF-style: chr1-45799232-G-A.
Other names: c.117C>T, p.Gly39= (NM_001048171.2, NM_001048173.2, NM_001293195.2); c.120C>T, p.Gly40= (NM_001048172.2); c.201C>T, p.Gly67= (NM_001128425.2); c.162C>T, p.Gly54= (NM_001293190.2); c.150C>T, p.Gly50= (NM_001293191.2); c.-155C>T (NM_001350650.2); c.192C>T, p.Gly64= (NM_012222.3); c.-92-63C>T (NM_001350651.2); and 1 more.
Identifiers: ClinVar variation 924645 (VCV000924645.11), dbSNP rs1557487475, ClinGen allele CA417702207.

ClinVar aggregate classification (germline): Conflicting classifications of pathogenicity. Review status: criteria provided, conflicting classifications (1 of 4 stars). 3 submissions from 3 submitters: Uncertain significance (2); Likely benign (1). Last evaluated 2026-04-05.

Conditions:
Hereditary cancer-predisposing syndrome. Also called: Hereditary Cancer Syndrome; Neoplastic Syndromes, Hereditary; Tumor predisposition; Hereditary neoplastic syndrome. Identifiers: Orphanet 140162, MedGen C0027672, MeSH D009386, MONDO:0015356.
Familial adenomatous polyposis 2. Also called: ADENOMAS, MULTIPLE COLORECTAL, AUTOSOMAL RECESSIVE; MYH-associated polyposis; MUTYH-associated polyposis; COLORECTAL ADENOMATOUS POLYPOSIS, AUTOSOMAL RECESSIVE; MUTYH-related attenuated familial adenomatous polyposis; Adenomas, multiple colorectal. Identifiers: Orphanet 220460, Orphanet 247798, MedGen C3272841, MONDO:0012041, OMIM 608456.

Allele frequency attached by ClinVar (database versions not stated): gnomAD 0.00001; gnomAD exomes below 0.00001.
gnomAD v4.1: 2 of 1,613,366 alleles (0.00012%); highest among the groups gnomAD compares: Non-Finnish European, 0.00017%; no homozygotes.

Submissions (3):

Ambry Genetics
Classification: Uncertain significance for Hereditary cancer-predisposing syndrome. Last evaluated: 2026-04-05. Review status: criteria provided, single submitter. Criteria: Ambry Variant Classification Scheme 2023. Collection method: clinical testing. Allele origin: germline.
Comment: The c.201C>T variant (also known as p.G67G), located in coding exon 3 of the MUTYH gene, results from a C to T substitution at nucleotide position 201. This nucleotide substitution does not change the at codon 67. This nucleotide position is not well conserved in available vertebrate species. In silico splice site analysis predicts that this alteration may result in the creation or strengthening of a novel splice acceptor site; however, direct evidence is insufficient at this time (Ambry internal data). Based on the available evidence, the clinical significance of this variant remains unclear.

Labcorp Genetics (formerly Invitae), Labcorp
Classification: Uncertain significance for Familial adenomatous polyposis 2. Last evaluated: 2025-09-29. Review status: criteria provided, single submitter. Criteria: Invitae Variant Classification Sherloc (09022015). Collection method: clinical testing. Allele origin: germline.
Comment: This sequence change affects codon 67 of the MUTYH mRNA. It is a 'silent' change, meaning that it does not change the encoded amino acid sequence of the MUTYH protein. This variant is not present in population databases (gnomAD no frequency). This variant has not been reported in the literature in individuals affected with MUTYH-related conditions. ClinVar contains an entry for this variant (Variation ID: 924645). Algorithms developed to predict the effect of sequence changes on RNA splicing suggest that this variant may create or strengthen a splice site. In summary, the available evidence is currently insufficient to determine the role of this variant in disease. Therefore, it has been classified as a Variant of Uncertain Significance.

Color Diagnostics, LLC DBA Color Health
Classification: Likely benign for Hereditary cancer-predisposing syndrome. Last evaluated: 2019-02-26. Review status: criteria provided, single submitter. Criteria: ACMG Guidelines, 2015. Collection method: clinical testing. Allele origin: germline.